The following is an entry in ClinVar:

ClinVar aggregate classification (germline): Uncertain significance (1 of 4 stars; one submission).

Submission:

GeneDx
Classification: Uncertain significance. Last evaluated: 2024-10-24. Review status: criteria provided, single submitter. Criteria: GeneDx Variant Classification Process June 2021. Collection method: clinical testing. Allele origin: germline. Affected: yes.
Comment: Not observed at significant frequency in large population cohorts (gnomAD); In silico analysis indicates that this missense variant does not alter protein structure/function; Has not been previously published as pathogenic or benign to our knowledge

NM_004519.4(KCNQ3):c.643G>A (p.Val215Met)

Gene: KCNQ3 (potassium voltage-gated channel subfamily Q member 3; minus strand). Cytogenetic location: 8q24.22.
Variant type: single nucleotide variant.
Coding change: c.643G>A on transcript NM_004519.4 (MANE Select); coding-DNA position 643, G replaced by A.
Protein change: p.Val215Met; replaces valine 215 with methionine.
Molecular consequence: missense variant.
Genome position (GRCh38, 1-based): chr8:132,180,291, C>T on the plus strand (G>A on the coding strand, the complement: KCNQ3 is on the minus strand). VCF-style: chr8-132180291-C-T. GRCh37 (hg19) VCF-style: chr8-133192538-C-T.
Other names: c.283G>A, p.Val95Met (NM_001204824.2); short protein forms V215M, V95M.
Identifiers: ClinVar variation 3893492 (VCV003893492.1).
Genomic context (GRCh38, chr8:132,180,291, plus strand): 5'-GGATCTGCAGGAAGCGCAGGCTTCGCAGGGAGGTGGCCAGAACATTGCCTTGGTTTCCCA[C>T]AGCAACCACTGGCACAGAGGCAATCAGCACAAAGATGTCTGGGAGAGAGGACAGACAGAG-3'
Protein context (NP_004510.1, residues 205-225): VLIASVPVVA[Val215Met]GNQGNVLATS